The following is an entry in ClinVar:

NM_001447.3(FAT2):c.5719A>G (p.Ile1907Val)

Genes: FAT2 (FAT atypical cadherin 2; minus strand), SLC36A1 (solute carrier family 36 member 1; plus strand). Cytogenetic location: 5q33.1.
Variant type: single nucleotide variant.
Coding change: c.5719A>G on transcript NM_001447.3 (MANE Select); coding-DNA position 5719, A replaced by G.
Protein change: p.Ile1907Val; replaces isoleucine 1907 with valine.
Molecular consequence: missense variant.
Genome position (GRCh38, 1-based): chr5:151,545,408, T>C on the plus strand (A>G on the coding strand, the complement: FAT2 is on the minus strand). VCF-style: chr5-151545408-T-C. GRCh37 (hg19) VCF-style: chr5-150924969-T-C.
Other names: short protein forms I1907V.
Identifiers: ClinVar variation 3619632 (VCV003619632.2).
Genomic context (GRCh38, chr5:151,545,408, plus strand): 5'-CAGATATGCTACCAGTGACAGGATGGATGGTAACAGCTTCATCAGCATTGCCAGTTTTGA[T>C]GCTATAATTGACTTCTGAGTCTTCATCGCTGGCCCGCACCATGAGAAGCTCCATGCCTGG-3'
Protein context (NP_001438.1, residues 1897-1917): SDEDSEVNYS[Ile1907Val]KTGNADEAVT

ClinVar aggregate classification (germline): Uncertain significance (1 of 4 stars; one submission).

gnomAD v4.1: 2 of 1,614,192 alleles (0.00012%); highest among the groups gnomAD compares: Non-Finnish European, 0.00017%; no homozygotes.

Submission:

Labcorp Genetics (formerly Invitae), Labcorp
Classification: Uncertain significance. Last evaluated: 2024-07-06. Review status: criteria provided, single submitter. Criteria: Invitae Variant Classification Sherloc (09022015). Collection method: clinical testing. Allele origin: germline.
Comment: This sequence change replaces isoleucine, which is neutral and non-polar, with valine, which is neutral and non-polar, at codon 1907 of the FAT2 protein (p.Ile1907Val). This variant is not present in population databases (gnomAD no frequency). This variant has not been reported in the literature in individuals affected with FAT2-related conditions. Advanced modeling of protein sequence and biophysical properties (such as structural, functional, and spatial information, amino acid conservation, physicochemical variation, residue mobility, and thermodynamic stability) performed at Invitae indicates that this missense variant is not expected to disrupt FAT2 protein function with a negative predictive value of 80%. In summary, the available evidence is currently insufficient to determine the role of this variant in disease. Therefore, it has been classified as a Variant of Uncertain Significance.